The following is an entry in ClinVar:

ClinVar aggregate classification (germline): Uncertain significance (1 of 4 stars; one submission).

Conditions:
Developmental and epileptic encephalopathy. Identifiers: MedGen C5779964, MONDO:0100620.

Submission:

Labcorp Genetics (formerly Invitae), Labcorp
Classification: Uncertain significance for Early-infantile DEE. Last evaluated: 2023-10-03. Review status: criteria provided, single submitter. Criteria: Invitae Variant Classification Sherloc (09022015). Collection method: clinical testing. Allele origin: germline.
Comment: This variant results in a copy number gain of the genomic region encompassing exon(s) 22-24 of the SPTAN1 gene. While the exact position of this variant cannot be determined from the data, sub-genic copy number gains are generally in tandem (PMID: 25640679). This variant is predicted to be in-frame, and likely preserves the integrity of the reading frame. This variant has not been reported in the literature in individuals affected with SPTAN1-related conditions. In summary, the available evidence is currently insufficient to determine the role of this variant in disease. Therefore, it has been classified as a Variant of Uncertain Significance.

Literature cited by the submitters: PubMed 25640679.

NC_000009.11:g.(?_131353736)_(131356672_?)dup

Gene: SPTAN1 (spectrin alpha, non-erythrocytic 1; plus strand). Cytogenetic location: 9q34.11.
Variant type: Duplication.
Identifiers: ClinVar variation 2423789 (VCV002423789.4).